The following is an entry in ClinVar:

ClinVar aggregate classification (germline): Uncertain significance (1 of 4 stars; one submission).

Conditions:
PAX4-related disorder. Also called: PAX4-related condition.

gnomAD v4.1: 22 of 1,614,148 alleles (0.0014%); highest among the groups gnomAD compares: East Asian, 0.016%; no homozygotes.

Submission:

PreventionGenetics, part of Exact Sciences
Classification: Uncertain significance for PAX4-related condition. Last evaluated: 2025-12-08. Review status: criteria provided, single submitter. Criteria: ACMG Guidelines, 2015. Collection method: clinical testing. Allele origin: germline.
Comment: The PAX4 c.290G>A variant is predicted to result in the amino acid substitution p.Arg97His. This variant has been reported in a cohort of individuals with clinically suspected maturity-onset diabetes of the young (referred to as p.R97H in Brahm et al. 2016. PubMed ID: 27634015). This variant has also been reported to be inherited from an apparently unaffected parent in an individual affected with latent autoimmune diabetes in adults (described using an alternate transcript as c.314G>A, p.R105H in Zhou et al. 2023. PubMed ID: 37547587). This variant is reported in 0.013% of alleles in individuals of South Asian descent in gnomAD. At this time, the clinical significance of this variant is uncertain due to the absence of conclusive functional and genetic evidence.

NM_001366110.1(PAX4):c.314G>A (p.Arg105His)

Gene: PAX4 (paired box 4; minus strand). Cytogenetic location: 7q32.1.
Variant type: single nucleotide variant.
Coding change: c.314G>A on transcript NM_001366110.1 (MANE Select); coding-DNA position 314, G replaced by A.
Protein change: p.Arg105His; replaces arginine 105 with histidine.
Molecular consequence: missense variant.
Genome position (GRCh38, 1-based): chr7:127,614,926, C>T on the plus strand (G>A on the coding strand, the complement: PAX4 is on the minus strand). VCF-style: chr7-127614926-C-T. GRCh37 (hg19) VCF-style: chr7-127254980-C-T.
Other names: NM_006193.2:c.290G>A; c.314G>A, p.Arg105His (NM_001366111.1); short protein forms R105H.
Identifiers: ClinVar variation 4990092 (VCV004990092.1).